The following is an entry in ClinVar:

ClinVar aggregate classification (germline): Likely benign (1 of 4 stars; one submission).

Allele frequency attached by ClinVar (database versions not stated): ESP Exome Variant Server 0.00008; TOPMed 0.00014; gnomAD 0.00015; 1000 Genomes Project 30x 0.00047; 1000 Genomes Project 0.00060; ExAC 0.00136.
gnomAD v4.1: 406 of 1,571,044 alleles (0.026%); highest among the groups gnomAD compares: South Asian, 0.17%; 2 homozygotes.

Submission:

CeGaT Center for Human Genetics Tuebingen
Classification: Likely benign. Last evaluated: 2022-08-01. Review status: criteria provided, single submitter. Criteria: CeGaT Center For Human Genetics Tuebingen Variant Classification Criteria Version 2. Collection method: clinical testing. Allele origin: germline. Affected: yes. Observed: 1 variant allele.
Comment: MUC5B: BP4, BP7

NM_002458.3(MUC5B):c.3436C>A (p.Arg1146=)

Gene: MUC5B (mucin 5B, oligomeric mucus/gel-forming; plus strand). Cytogenetic location: 11p15.5.
Variant type: single nucleotide variant.
Coding change: c.3436C>A on transcript NM_002458.3 (MANE Select); coding-DNA position 3436, C replaced by A.
Protein change: p.Arg1146=; no amino-acid change (arginine 1146 retained).
Molecular consequence: synonymous variant.
Genome position (GRCh38, 1-based): chr11:1,239,009, C>A. VCF-style: chr11-1239009-C-A. GRCh37 (hg19) VCF-style: chr11-1260239-C-A.
Identifiers: ClinVar variation 2641192 (VCV002641192.24), dbSNP rs374136981, ClinGen allele CA5805078.
Genomic context (GRCh38, chr11:1,239,009, plus strand): 5'-TGCACGGCTGTGGCTGCCTACGCCCAGGCCTGCCACGACGCGGGCCTGTGTGTGTCCTGG[C>A]GGACTCCGGACACCTGCCGTGAGTCGGGCTCTGTCCGTGGTGCTGAAGGGTGGAGCTGCT-3'
Protein context (NP_002449.2, residues 1136-1156): CHDAGLCVSW[Arg1146=]TPDTCPLFCD